The following is an entry in ClinVar:

NM_000057.4(BLM):c.820A>T (p.Asn274Tyr)

Gene: BLM (BLM RecQ like helicase; plus strand). Cytogenetic location: 15q26.1.
Variant type: single nucleotide variant.
Coding change: c.820A>T on transcript NM_000057.4 (MANE Select); coding-DNA position 820, A replaced by T.
Protein change: p.Asn274Tyr; replaces asparagine 274 with tyrosine.
Molecular consequence: missense variant. On other transcripts: 5 prime UTR variant (1).
Genome position (GRCh38, 1-based): chr15:90,751,807, A>T. VCF-style: chr15-90751807-A-T. GRCh37 (hg19) VCF-style: chr15-91295037-A-T.
Other names: c.820A>T (NM_000057.2); c.820A>T, p.Asn274Tyr (NM_001287246.2, NM_001287247.2); c.-472A>T (NM_001287248.2); short protein forms N274Y.
Identifiers: ClinVar variation 662648 (VCV000662648.16), dbSNP rs750551907, ClinGen allele CA7738374.

ClinVar aggregate classification (germline): Uncertain significance. Review status: criteria provided, multiple submitters, no conflicts (2 of 4 stars). 3 submissions from 3 submitters: Uncertain significance (2). 1 of the submissions does not count toward it. Last evaluated 2025-12-17.

Conditions:
Hereditary cancer-predisposing syndrome. Also called: Neoplastic Syndromes, Hereditary; Tumor predisposition; Hereditary neoplastic syndrome; Hereditary Cancer Syndrome. Identifiers: Orphanet 140162, MedGen C0027672, MeSH D009386, MONDO:0015356.
Bloom syndrome (BLM). Also called: Bloom-Torre-Machacek syndrome. Identifiers: Orphanet 125, MedGen C0005859, MONDO:0008876, OMIM 210900.

Allele frequency attached by ClinVar (database versions not stated): ExAC 0.00001; gnomAD exomes 0.00002; TOPMed 0.00002.
gnomAD v4.1: 58 of 1,612,448 alleles (0.0036%); highest among the groups gnomAD compares: Non-Finnish European, 0.0049%; no homozygotes.

Submissions (4):

Labcorp Genetics (formerly Invitae), Labcorp
Classification: Uncertain significance for Bloom syndrome. Last evaluated: 2025-12-17. Review status: criteria provided, single submitter. Criteria: Invitae Variant Classification Sherloc (09022015). Collection method: clinical testing. Allele origin: germline.
Comment: This sequence change replaces asparagine, which is neutral and polar, with tyrosine, which is neutral and polar, at codon 274 of the BLM protein (p.Asn274Tyr). This variant is present in population databases (rs750551907, gnomAD 0.004%). This variant has not been reported in the literature in individuals affected with BLM-related conditions. ClinVar contains an entry for this variant (Variation ID: 662648). An algorithm developed to predict the effect of missense changes on protein structure and function outputs the following: PolyPhen-2: "Benign". The tyrosine amino acid residue is found in multiple mammalian species, which suggests that this missense change does not adversely affect protein function. RNA analysis performed to evaluate the impact of this missense change on mRNA splicing indicates it does not significantly alter splicing (internal data). In summary, the available evidence is currently insufficient to determine the role of this variant in disease. Therefore, it has been classified as a Variant of Uncertain Significance.

Ambry Genetics
Classification: Uncertain significance for Hereditary cancer-predisposing syndrome. Last evaluated: 2025-02-06. Review status: criteria provided, single submitter. Criteria: Ambry Variant Classification Scheme 2023. Collection method: clinical testing. Allele origin: germline.
Comment: The p.N274Y variant (also known as c.820A>T), located in coding exon 3 of the BLM gene, results from an A to T substitution at nucleotide position 820. The asparagine at codon 274 is replaced by tyrosine, an amino acid with dissimilar properties. This amino acid position is poorly conserved in available vertebrate species. In addition, this alteration is predicted to be tolerated by in silico analysis. Since supporting evidence is limited at this time, the clinical significance of this alteration remains unclear.

Natera, Inc.
Classification: Uncertain significance for Bloom syndrome. Last evaluated: 2018-05-28. Review status: no assertion criteria provided. Collection method: clinical testing. Allele origin: germline. Not counted in ClinVar's aggregate classification.

Dr. Peter K. Rogan Lab, Western University
No classification provided (evidence only). Condition: Lung cancer. Review status: no classification provided. Collection method: in vitro. Allele origin: not applicable. Functional consequence: retained intron. Not counted in ClinVar's aggregate classification.